The following is an entry in ClinVar:

ClinVar aggregate classification (germline): Conflicting classifications of pathogenicity. Review status: no assertion criteria provided (0 of 4 stars). 2 submissions from 2 submitters: Pathogenic (1); Uncertain significance (1). Last evaluated 2020-02-28.

Conditions:
Fanconi anemia complementation group A (FANCA). Also called: Fanconi anemia, group A; FANCA-Related Fanconi Anemia. Identifiers: Orphanet 84, MedGen C3469521, MONDO:0009215, OMIM 227650.

Allele frequency attached by ClinVar (database versions not stated): gnomAD exomes below 0.00001.
gnomAD v4.1: 1 of 1,614,066 alleles (0.000062%); highest among the groups gnomAD compares: African/African-American, 0.0013%; no homozygotes.

Submissions (2):

Leiden Open Variation Database
Classification: Pathogenic for Fanconi anemia complementation group A. Last evaluated: 2020-02-28. Review status: no assertion criteria provided. Collection method: curation. Allele origin: germline. Affected: yes.
Comment: Curator: Arleen D. Auerbach. Submitter to LOVD: Arleen D. Auerbach.

Counsyl
Classification: Uncertain significance for Fanconi anemia complementation group A. Last evaluated: 2018-01-29. Review status: no assertion criteria provided. Collection method: clinical testing. Allele origin: unknown.

Literature cited by the submitters: PubMed 12444097 (cited by Leiden Open Variation Database and Counsyl); PubMed 21273304 (cited by Counsyl); PubMed 16720839 (cited by Counsyl); PubMed 9371798 (cited by Counsyl).

NM_000135.4(FANCA):c.3164G>T (p.Arg1055Leu)

Gene: FANCA (FA complementation group A; minus strand). Cytogenetic location: 16q24.3.
Variant type: single nucleotide variant.
Coding change: c.3164G>T on transcript NM_000135.4 (MANE Select); coding-DNA position 3164, G replaced by T.
Protein change: p.Arg1055Leu; replaces arginine 1055 with leucine.
Molecular consequence: missense variant.
Genome position (GRCh38, 1-based): chr16:89,749,805, C>A on the plus strand (G>T on the coding strand, the complement: FANCA is on the minus strand). VCF-style: chr16-89749805-C-A. GRCh37 (hg19) VCF-style: chr16-89816213-C-A.
Other names: c.3164G>T, p.Arg1055Leu (NM_001286167.3); c.3164G>T (LRG_495t1); short protein forms R1055L.
Identifiers: ClinVar variation 556298 (VCV000556298.4), dbSNP rs1429943036, ClinGen allele CA397486564.